The following is an entry in ClinVar:

ClinVar aggregate classification (germline): Uncertain significance (1 of 4 stars; one submission).

Conditions:
Intellectual developmental disorder, X-linked, syndromic, Siderius type. Also called: Syndromic X-linked intellectual disability Siderius type. Identifiers: Orphanet 85287, MedGen C1846055, MONDO:0010286, OMIM 300263.

Allele frequency attached by ClinVar (database versions not stated): TOPMed below 0.00001; ExAC below 0.00001.
gnomAD v4.1: 15 of 1,173,707 alleles (0.0013%); highest among the groups gnomAD compares: Middle Eastern, 0.023%; no homozygotes.

Submission:

Centre for Mendelian Genomics, University Medical Centre Ljubljana
Classification: Uncertain significance for Intellectual developmental disorder, X-linked, syndromic, Siderius type. Last evaluated: 2018-11-26. Review status: criteria provided, single submitter. Criteria: ACMG Guidelines, 2015. Collection method: clinical testing. Allele origin: unknown. Affected: yes.
Comment: This variant was classified as: Uncertain significance. The available evidence favors the pathogenic nature of this variant, however the currently available data is insufficient to conclusively support its pathogenic nature. Thus this variant is classified as Uncertain significance - favor pathogenic. The following ACMG criteria were applied in classifying this variant: PM2,BP4. This variant was detected in hemizygous state.

NM_015107.3(PHF8):c.-63C>A

Gene: PHF8 (PHD finger protein 8; minus strand). Cytogenetic location: Xp11.22.
Variant type: single nucleotide variant.
Coding change: c.-63C>A on transcript NM_015107.3 (MANE Select); 63 bases upstream of the start codon, C replaced by A.
Molecular consequence: 5 prime UTR variant. On other transcripts: missense variant (1).
Genome position (GRCh38, 1-based): chrX:54,042,791, G>T on the plus strand (C>A on the coding strand, the complement: PHF8 is on the minus strand). VCF-style: chrX-54042791-G-T. GRCh37 (hg19) VCF-style: chrX-54069224-G-T.
Other names: c.-63C>A (NM_001184897.2, NM_001184898.2); c.46C>A, p.Pro16Thr (NM_001184896.1); short protein forms P16T.
Identifiers: ClinVar variation 931407 (VCV000931407.3), dbSNP rs781976643, ClinGen allele CA10423705.
Genomic context (GRCh38, chrX:54,042,791, plus strand): 5'-TCGCTCGGCCCTGGAGCGTTCTGCGGCCGGCCAGGTTCGTCGTGTCAAGAGGGGCGGGAG[G>T]CGGCAGCACGCGTCCTCTCTGGACGATAGCTAGGCACAAATAACACTTTTTACAGAGTGA-3'